The following is an entry in ClinVar:

NM_001042492.3(NF1):c.1039C>T (p.Gln347Ter)

Gene: NF1 (neurofibromin 1; plus strand). Cytogenetic location: 17q11.2.
Variant type: single nucleotide variant.
Coding change: c.1039C>T on transcript NM_001042492.3 (MANE Select); coding-DNA position 1039, C replaced by T.
Protein change: p.Gln347Ter; replaces glutamine 347 with a stop codon.
Molecular consequence: nonsense.
Genome position (GRCh38, 1-based): chr17:31,200,572, C>T. VCF-style: chr17-31200572-C-T. GRCh37 (hg19) VCF-style: chr17-29527590-C-T.
Other names: c.1039C>T, p.Gln347Ter (NM_000267.4, NM_001128147.3); short protein forms Q347*.
Identifiers: ClinVar variation 431975 (VCV000431975.19), dbSNP rs1555610910, ClinGen allele CA398996436.

ClinVar aggregate classification (germline): Pathogenic. Review status: criteria provided, multiple submitters, no conflicts (2 of 4 stars). 6 submissions from 6 submitters: Pathogenic (6). Last evaluated 2026-09-04.

Conditions:
Hereditary cancer-predisposing syndrome. Also called: Neoplastic Syndromes, Hereditary; Hereditary neoplastic syndrome; Hereditary Cancer Syndrome; Tumor predisposition. Identifiers: Orphanet 140162, MedGen C0027672, MeSH D009386, MONDO:0015356.
Cardiovascular phenotype. Identifiers: MedGen CN230736.
Neurofibromatosis, type 1 (NF1). Also called: VON RECKLINGHAUSEN DISEASE; Neurofibromatosis, type I; Peripheral type neurofibromatosis; NEUROFIBROMATOSIS, TYPE I, SOMATIC. Identifiers: Orphanet 636, MedGen C0027831, MONDO:0018975, OMIM 162200. Disease mechanism: loss of function.

Submissions (6):

Ambry Genetics
Classification: Pathogenic for Cardiovascular phenotype; Hereditary cancer-predisposing syndrome. Last evaluated: 2026-09-04. Review status: criteria provided, single submitter. Criteria: Ambry Variant Classification Scheme 2023. Collection method: clinical testing. Allele origin: germline.
Comment: The p.Q347* pathogenic mutation (also known as c.1039C>T), located in coding exon 9 of the NF1 gene, results from a C to T substitution at nucleotide position 1039. This changes the amino acid from a glutamine to a stop codon within coding exon 9. This variant is expected to result in loss of function by premature protein truncation or nonsense-mediated mRNA decay. In silico splice site analysis predicts that this alteration may weaken the native splice donor site, the region predicted to be impacted is critical for protein function (Ambry internal data). This variant was reported in individuals with features consistent with Neurofibromatosis type 1 (Pros E et al. Hum Mutat, 2008 Sep;29:E173-93; Pasmant E et al. Eur J Hum Genet, 2015 May;23:596-601; Safonov A et al. Nat Commun, 2025 Apr;16:3121; Ambry internal data). This variant is considered to be rare based on population cohorts in the Genome Aggregation Database (gnomAD). Based on the supporting evidence, this variant is interpreted as a disease-causing mutation.

Labcorp Genetics (formerly Invitae), Labcorp
Classification: Pathogenic for Neurofibromatosis, type 1. Last evaluated: 2025-11-02. Review status: criteria provided, single submitter. Criteria: Invitae Variant Classification Sherloc (09022015). Collection method: clinical testing. Allele origin: germline.
Comment: This sequence change creates a premature translational stop signal (p.Gln347*) in the NF1 gene. It is expected to result in an absent or disrupted protein product. Loss-of-function variants in NF1 are known to be pathogenic (PMID: 10712197, 23913538). This variant is not present in population databases (gnomAD no frequency). This premature translational stop signal has been observed in individual(s) with neurofibromatosis type 1 (PMID: 18546366). Invitae Evidence Modeling of clinical and family history, age, sex, and reported ancestry of multiple individuals with this NF1 variant has been performed. This variant is expected to be pathogenic with a positive predictive value of at least 99%. This is a validated machine learning model that incorporates the clinical features of 1,785,918 individuals referred to our laboratory for NF1 testing. ClinVar contains an entry for this variant (Variation ID: 431975). Algorithms developed to predict the effect of variants on gene product structure and function are not available or were not evaluated for this variant. Experimental studies are conflicting or provide insufficient evidence to determine the effect of this variant on NF1 function (PMID: 26509978). Algorithms developed to predict the effect of sequence changes on RNA splicing suggest that this variant may disrupt the consensus splice site. For these reasons, this variant has been classified as Pathogenic.

NHS Central & South Genomic Laboratory Hub
Classification: Pathogenic for Neurofibromatosis type 1. Last evaluated: 2024-11-11. Review status: criteria provided, single submitter. Criteria: ACMG Guidelines, 2015. Collection method: clinical testing. Allele origin: germline. Affected: yes.

GeneDx
Classification: Pathogenic. Last evaluated: 2023-11-08. Review status: criteria provided, single submitter. Criteria: GeneDx Variant Classification Process June 2021. Collection method: clinical testing. Allele origin: germline. Affected: yes.
Comment: Nonsense variant predicted to result in protein truncation or nonsense mediated decay in a gene for which loss-of-function is a known mechanism of disease; Published functional studies demonstrate that the variant may result in the skipping of exon 9 (PMID: 26509978); Not observed at significant frequency in large population cohorts (gnomAD); This variant is associated with the following publications: (PMID: 25525159, 18546366, 16937374, 30014477, 26509978)

Genome-Nilou Lab
Classification: Pathogenic for Neurofibromatosis, type 1. Last evaluated: 2022-03-15. Review status: criteria provided, single submitter. Criteria: ACMG Guidelines, 2015. Collection method: clinical testing. Allele origin: germline. Affected: no.

Genome Diagnostics Laboratory, The Hospital for Sick Children
Classification: Pathogenic for Neurofibromatosis, type 1. Last evaluated: 2020-10-26. Review status: criteria provided, single submitter. Criteria: ACMG Guidelines, 2015. Collection method: clinical testing. Allele origin: germline. Affected: yes.

Literature cited by the submitters: PubMed 18546366 (cited by Ambry Genetics and Labcorp Genetics (formerly Invitae), Labcorp); PubMed 25074460 (cited by Ambry Genetics); PubMed 40169570 (cited by Ambry Genetics); PubMed 10712197 (cited by Labcorp Genetics (formerly Invitae), Labcorp); PubMed 23913538 (cited by Labcorp Genetics (formerly Invitae), Labcorp); PubMed 26509978 (cited by Labcorp Genetics (formerly Invitae), Labcorp).